The following is an entry in ClinVar:

NM_001008216.2(GALE):c.973G>A (p.Gly325Arg)

Gene: GALE (UDP-galactose-4-epimerase; minus strand). Cytogenetic location: 1p36.11.
Variant type: single nucleotide variant.
Coding change: c.973G>A on transcript NM_001008216.2 (MANE Select); coding-DNA position 973, G replaced by A.
Protein change: p.Gly325Arg; replaces glycine 325 with arginine.
Molecular consequence: missense variant.
Genome position (GRCh38, 1-based): chr1:23,796,166, C>T on the plus strand (G>A on the coding strand, the complement: GALE is on the minus strand). VCF-style: chr1-23796166-C-T. GRCh37 (hg19) VCF-style: chr1-24122656-C-T.
Other names: c.973G>A, p.Gly325Arg (NM_000403.4, NM_001127621.2); short protein forms G325R.
Identifiers: ClinVar variation 658280 (VCV000658280.6), dbSNP rs770436207, ClinGen allele CA685428.

ClinVar aggregate classification (germline): Uncertain significance (1 of 4 stars; one submission).

Conditions:
UDPglucose-4-epimerase deficiency. Also called: Epimerase Deficiency Galactosemia; UDP-GALACTOSE-4-EPIMERASE DEFICIENCY; Galactose epimerase deficiency; UDPglucose 4-Epimerase Deficiency Disease; GALACTOSEMIA III; GALE DEFICIENCY. Identifiers: Orphanet 352, Orphanet 79238, MedGen C0751161, MONDO:0009257, OMIM 230350.

Allele frequency attached by ClinVar (database versions not stated): ExAC 0.00001; gnomAD exomes 0.00001.

Submission:

Labcorp Genetics (formerly Invitae), Labcorp
Classification: Uncertain significance for UDPglucose-4-epimerase deficiency. Last evaluated: 2021-09-01. Review status: criteria provided, single submitter. Criteria: Invitae Variant Classification Sherloc (09022015). Collection method: clinical testing. Allele origin: germline.
Comment: This sequence change replaces glycine with arginine at codon 325 of the GALE protein (p.Gly325Arg). The glycine residue is highly conserved and there is a moderate physicochemical difference between glycine and arginine. This variant is present in population databases (rs770436207, ExAC 0.002%). This missense change has been observed in individual(s) with a positive newborn screening result for GALE-related disease (Invitae). Algorithms developed to predict the effect of missense changes on protein structure and function are either unavailable or do not agree on the potential impact of this missense change (SIFT: "Deleterious"; PolyPhen-2: "Possibly Damaging"; Align-GVGD: "Class C0"). In summary, the available evidence is currently insufficient to determine the role of this variant in disease. Therefore, it has been classified as a Variant of Uncertain Significance.